The following is an entry in ClinVar:

ClinVar aggregate classification (germline): Uncertain significance (1 of 4 stars; one submission).

Submission:

Women's Health and Genetics/Laboratory Corporation of America, LabCorp
Classification: Uncertain significance. Last evaluated: 2022-04-07. Review status: criteria provided, single submitter. Criteria: LabCorp Variant Classification Summary - May 2015. Collection method: clinical testing. Allele origin: germline.
Comment: Variant summary: THRB c.1357_1358delinsGA (p.Pro453Asp) results in a non-conservative amino acid change in the encoded protein sequence. The variant was absent in 31396 control chromosomes. The available data on variant occurrences in the general population are insufficient to allow any conclusion about variant significance. To our knowledge, no occurrence of c.1357_1358delinsGA in individuals affected with Thyroid Hormone Resistance, Generalized, Autosomal Dominant and no experimental evidence demonstrating its impact on protein function have been reported. However, other missense variants at the same codon, namely p.Pro453Ala, p.Pro453His, p.Pro453Leu, p.Pro453Ser and p.Pro453Thr have been reported in association with Thyroid Hormone Resistance (HGMD database) supporting a functional relevance for the Proline 453 residue. No clinical diagnostic laboratories have submitted clinical-significance assessments for this variant to ClinVar after 2014. Based on the evidence outlined above, the variant was classified as uncertain significance.

NM_001354712.2(THRB):c.1357_1358delinsGA (p.Pro453Asp)

Gene: THRB (thyroid hormone receptor beta; minus strand). Cytogenetic location: 3p24.2.
Variant type: Indel.
Coding change: c.1357_1358delinsGA on transcript NM_001354712.2 (MANE Select); coding-DNA positions 1357 to 1358, CC replaced by GA.
Protein change: p.Pro453Asp; replaces proline 453 with aspartic acid.
Molecular consequence: missense variant.
Genome position (GRCh38, 1-based): chr3:24,122,912-24,122,913, GG replaced by TC on the plus strand (CC replaced by GA on the coding strand, the reverse complement: THRB is on the minus strand). VCF-style: chr3-24122912-GG-TC. GRCh37 (hg19) VCF-style: chr3-24164403-GG-TC.
Other names: c.1357_1358delinsGA, p.Pro453Asp (NM_000461.5, NM_001128176.3, NM_001128177.2 and 11 more transcripts); c.1264_1265delinsGA, p.Pro422Asp (NM_001354714.2, NM_001354715.2); c.1186_1187delinsGA, p.Pro396Asp (NM_001374827.1); short protein forms P396D, P422D, P453D.
Identifiers: ClinVar variation 1683251 (VCV001683251.1), dbSNP rs2148780504, ClinGen allele CA2573136162.